The following is an entry in ClinVar:

NM_001378454.1(ALMS1):c.7541-11T>C

Gene: ALMS1 (ALMS1 centrosome and basal body associated protein; plus strand). Cytogenetic location: 2p13.1.
Variant type: single nucleotide variant.
Coding change: c.7541-11T>C on transcript NM_001378454.1 (MANE Select); 11 bases into the intron before coding-DNA position 7541, T replaced by C.
Molecular consequence: intron variant.
Genome position (GRCh38, 1-based): chr2:73,455,151, T>C. VCF-style: chr2-73455151-T-C. GRCh37 (hg19) VCF-style: chr2-73682278-T-C.
Other names: c.7541-11T>C (NM_015120.4).
Identifiers: ClinVar variation 2185941 (VCV002185941.4), dbSNP rs1337147752, ClinGen allele CA533691822.

ClinVar aggregate classification (germline): Uncertain significance (1 of 4 stars; one submission).

Conditions:
Alstrom syndrome (ALMS). Identifiers: Orphanet 64, MedGen C0268425, MONDO:0008763, OMIM 203800.

Allele frequency attached by ClinVar (database versions not stated): gnomAD exomes below 0.00001.
gnomAD v4.1: 3 of 1,613,726 alleles (0.00019%); highest among the groups gnomAD compares: East Asian, 0.0022%; no homozygotes.

Submission:

Labcorp Genetics (formerly Invitae), Labcorp
Classification: Uncertain significance for Alstrom syndrome. Last evaluated: 2022-02-18. Review status: criteria provided, single submitter. Criteria: Invitae Variant Classification Sherloc (09022015). Collection method: clinical testing. Allele origin: germline.
Comment: This sequence change falls in intron 8 of the ALMS1 gene. It does not directly change the encoded amino acid sequence of the ALMS1 protein. This variant is present in population databases (no rsID available, gnomAD 0.003%). This variant has not been reported in the literature in individuals affected with ALMS1-related conditions. Algorithms developed to predict the effect of sequence changes on RNA splicing suggest that this variant may disrupt the consensus splice site. In summary, the available evidence is currently insufficient to determine the role of this variant in disease. Therefore, it has been classified as a Variant of Uncertain Significance.